The following is an entry in ClinVar:

ClinVar aggregate classification (germline): Uncertain significance. Review status: criteria provided, multiple submitters, no conflicts (2 of 4 stars). 3 submissions from 3 submitters: Uncertain significance (3). Last evaluated 2022-05-29.

Conditions:
Junctional epidermolysis bullosa with pyloric atresia. Also called: EPIDERMOLYSIS BULLOSA, JUNCTIONAL 5B, WITH PYLORIC ATRESIA; Junctional Epidermolysis Bullosa- Pyloric Atresia Syndrome; APLASIA CUTIS CONGENITA WITH GASTROINTESTINAL ATRESIA; CARMI SYNDROME; EB-PA-ACC; ITGB4-Related Epidermolysis Bullosa with Pyloric Atresia. Identifiers: Orphanet 79403, MedGen C5676875, MONDO:0009183, OMIM 226730.
Epidermolysis bullosa, junctional 5A, intermediate. Also called: EPIDERMOLYSIS BULLOSA, JUNCTIONAL 5A, GENERALIZED INTERMEDIATE; EPIDERMOLYSIS BULLOSA, JUNCTIONAL 5A, NON-HERLITZ TYPE. Identifiers: MedGen C5676956, MONDO:0030768, OMIM 619816.

Allele frequency attached by ClinVar (database versions not stated): gnomAD 0.00018 and 0.00019; 1000 Genomes Project 30x 0.00016; ESP Exome Variant Server 0.00023; gnomAD exomes 0.00012; 1000 Genomes Project 0.00020; ExAC 0.00012; TOPMed 0.00028.
gnomAD v4.1: 124 of 1,603,026 alleles (0.0077%); highest among the groups gnomAD compares: African/African-American, 0.056%; no homozygotes.

Submissions (3):

Labcorp Genetics (formerly Invitae), Labcorp
Classification: Uncertain significance. Last evaluated: 2022-05-29. Review status: criteria provided, single submitter. Criteria: Invitae Variant Classification Sherloc (09022015). Collection method: clinical testing. Allele origin: germline.
Comment: This sequence change affects codon 1499 of the ITGB4 mRNA. It is a 'silent' change, meaning that it does not change the encoded amino acid sequence of the ITGB4 protein. It affects a nucleotide within the consensus splice site. This variant is present in population databases (rs138928712, gnomAD 0.05%). This variant has not been reported in the literature in individuals affected with ITGB4-related conditions. ClinVar contains an entry for this variant (Variation ID: 325199). Algorithms developed to predict the effect of sequence changes on RNA splicing suggest that this variant may create or strengthen a splice site. In summary, the available evidence is currently insufficient to determine the role of this variant in disease. Therefore, it has been classified as a Variant of Uncertain Significance.

Fulgent Genetics
Classification: Uncertain significance for Junctional epidermolysis bullosa with pyloric atresia; Epidermolysis bullosa, junctional 5A, intermediate. Last evaluated: 2022-05-11. Review status: criteria provided, single submitter. Criteria: ACMG Guidelines, 2015. Collection method: clinical testing. Allele origin: unknown.

Illumina Laboratory Services, Illumina
Classification: Uncertain significance for Junctional epidermolysis bullosa with pyloric atresia. Last evaluated: 2018-01-13. Review status: criteria provided, single submitter. Criteria: ICSL Variant Classification Criteria 13 December 2019. Collection method: clinical testing. Allele origin: germline.

NM_000213.5(ITGB4):c.4707C>T (p.Gly1569=)

Genes: GALK1 (galactokinase 1; minus strand), ITGB4 (integrin subunit beta 4; plus strand). Cytogenetic location: 17q25.1.
Variant type: single nucleotide variant.
Coding change: c.4707C>T on transcript NM_000213.5 (MANE Select); coding-DNA position 4707, C replaced by T.
Protein change: p.Gly1569=; no amino-acid change (glycine 1569 retained).
Molecular consequence: synonymous variant. On other transcripts: intron variant (2).
Genome position (GRCh38, 1-based): chr17:75,755,849, C>T. VCF-style: chr17-75755849-C-T. GRCh37 (hg19) VCF-style: chr17-73751930-C-T.
Other names: c.4656C>T, p.Gly1552= (NM_001005619.2); c.4497C>T, p.Gly1499= (NM_001005731.3, NM_001321123.2); c.4349-580C>T (NM_001438834.1); c.*22+2185G>A (NM_001381985.1).
Identifiers: ClinVar variation 325199 (VCV000325199.7), dbSNP rs138928712, ClinGen allele CA8770277.